The following is an entry in ClinVar:

NM_001365951.3(KIF1B):c.2115+6695T>G

Gene: KIF1B (kinesin family member 1B; plus strand). Cytogenetic location: 1p36.22.
Variant type: single nucleotide variant.
Coding change: c.2115+6695T>G on transcript NM_001365951.3 (MANE Select); 6695 bases into the intron after coding-DNA position 2115, T replaced by G.
Molecular consequence: intron variant. On other transcripts: missense variant (2).
Genome position (GRCh38, 1-based): chr1:10,303,941, T>G. VCF-style: chr1-10303941-T-G. GRCh37 (hg19) VCF-style: chr1-10363999-T-G.
Other names: c.2756T>G, p.Leu919Arg (NM_001365953.1, NM_183416.4); c.1977+6695T>G (NM_015074.3); c.2115+6695T>G (NM_001365952.1); short protein forms L919R.
Identifiers: ClinVar variation 4072242 (VCV004072242.1).

ClinVar aggregate classification (germline): Uncertain significance (1 of 4 stars; one submission).

Conditions:
Charcot-Marie-Tooth disease type 2A1. Also called: CHARCOT-MARIE-TOOTH DISEASE, AXONAL, TYPE 2A1; CHARCOT-MARIE-TOOTH DISEASE, AXONAL, AUTOSOMAL DOMINANT, TYPE 2A1; CHARCOT-MARIE-TOOTH DISEASE, NEURONAL, TYPE 2A1; CHARCOT-MARIE-TOOTH NEUROPATHY, TYPE 2A1; HEREDITARY MOTOR AND SENSORY NEUROPATHY IIA1. Identifiers: Orphanet 99946, MedGen C1861678, MONDO:0007308, OMIM 118210.

Submission:

Next Generation Genetic Polyclinic
Classification: Uncertain significance for Charcot-Marie-Tooth disease type 2A1. Last evaluated: 2025-03-05. Review status: criteria provided, single submitter. Criteria: ACMG Guidelines, 2015. Collection method: clinical testing. Allele origin: inherited. Affected: yes.
Comment: Our classification of this variant is based on the ACMG guidelines. The variant is extremely rare or absent in population databases, aligning with the proband’s clinical phenotype.